The following is an entry in ClinVar:

NM_003491.4(NAA10):c.215T>C (p.Ile72Thr)

Gene: NAA10 (N-alpha-acetyltransferase 10, NatA catalytic subunit; minus strand). Cytogenetic location: Xq28.
Variant type: single nucleotide variant.
Coding change: c.215T>C on transcript NM_003491.4 (MANE Select); coding-DNA position 215, T replaced by C.
Protein change: p.Ile72Thr; replaces isoleucine 72 with threonine.
Molecular consequence: missense variant.
Genome position (GRCh38, 1-based): chrX:153,932,549, A>G on the plus strand (T>C on the coding strand, the complement: NAA10 is on the minus strand). VCF-style: chrX-153932549-A-G. GRCh37 (hg19) VCF-style: chrX-153198002-A-G.
Other names: c.215T>C, p.Ile72Thr (NM_001256119.2); c.197T>C, p.Ile66Thr (NM_001256120.2); short protein forms I72T, I66T.
Identifiers: ClinVar variation 375388 (VCV000375388.4), dbSNP rs1057519448, ClinGen allele CA16044240.

ClinVar aggregate classification (germline): Likely pathogenic. Review status: criteria provided, multiple submitters, no conflicts (2 of 4 stars). 3 submissions from 3 submitters: Likely pathogenic (2). 1 of the submissions does not count toward it. Last evaluated 2025-03-04.

Conditions:
Ogden syndrome (OGDNS). Also called: N-TERMINAL ACETYLTRANSFERASE DEFICIENCY. Identifiers: Orphanet 276432, MedGen C3275447, MONDO:0010457, OMIM 300855.

Submissions (3):

Center for Genomic Medicine, Rigshospitalet, Copenhagen University Hospital
Classification: Likely pathogenic. Last evaluated: 2025-03-04. Review status: criteria provided, single submitter. Criteria: ACMG Guidelines, 2015. Collection method: clinical testing. Allele origin: germline.

Baylor Genetics
Classification: Likely pathogenic for Ogden syndrome. Last evaluated: 2016-03-21. Review status: criteria provided, single submitter. Criteria: ACMG Guidelines, 2015. Collection method: clinical testing. Allele origin: germline. Affected: yes.

Lupski Lab, Baylor-Hopkins CMG, Baylor College of Medicine
Classification: Pathogenic for Ogden syndrome. Review status: no assertion criteria provided. Collection method: research. Allele origin: germline. Inheritance: Autosomal recessive inheritance. Affected: yes. Not counted in ClinVar's aggregate classification.

Literature cited by the submitters: PubMed 29748569 (cited by Center for Genomic Medicine, Rigshospitalet, Copenhagen University Hospital); PubMed 31127942 (cited by Center for Genomic Medicine, Rigshospitalet, Copenhagen University Hospital); PubMed 28327206 (cited by Baylor Genetics).